The following is an entry in ClinVar:

NM_000535.7(PMS2):c.1774C>A (p.Gln592Lys)

Gene: PMS2 (PMS1 homolog 2, mismatch repair system component; minus strand). Cytogenetic location: 7p22.1.
Variant type: single nucleotide variant.
Coding change: c.1774C>A on transcript NM_000535.7 (MANE Select); coding-DNA position 1774, C replaced by A.
Protein change: p.Gln592Lys; replaces glutamine 592 with lysine.
Molecular consequence: missense variant. On other transcripts: non-coding transcript variant (1).
Genome position (GRCh38, 1-based): chr7:5,986,991, G>T on the plus strand (C>A on the coding strand, the complement: PMS2 is on the minus strand). VCF-style: chr7-5986991-G-T. GRCh37 (hg19) VCF-style: chr7-6026622-G-T.
Other names: c.841C>A, p.Gln281Lys (NM_001322011.2, NM_001322012.2); c.1201C>A, p.Gln401Lys (NM_001322013.2); c.1369C>A, p.Gln457Lys (NM_001322003.2, NM_001322004.2, NM_001322005.2 and 1 more transcripts); c.1618C>A, p.Gln540Lys (NM_001322006.2); c.1456C>A, p.Gln486Lys (NM_001322007.2, NM_001322008.2); c.1213C>A, p.Gln405Lys (NM_001322010.2); c.1774C>A, p.Gln592Lys (NM_001322014.2); c.1465C>A, p.Gln489Lys (NM_001322015.2); and 1 more; short protein forms Q486K, Q281K, Q405K, Q457K, Q489K, Q592K, Q401K, Q540K.
Identifiers: ClinVar variation 1511622 (VCV001511622.9), dbSNP rs63750994, ClinGen allele CA366739925.

ClinVar aggregate classification (germline): Uncertain significance. Review status: criteria provided, multiple submitters, no conflicts (2 of 4 stars). 2 submissions from 2 submitters: Uncertain significance (2). Last evaluated 2025-11-26.

Conditions:
Hereditary cancer-predisposing syndrome. Also called: Hereditary neoplastic syndrome; Neoplastic Syndromes, Hereditary; Tumor predisposition; Hereditary Cancer Syndrome. Identifiers: Orphanet 140162, MedGen C0027672, MeSH D009386, MONDO:0015356.
Hereditary nonpolyposis colorectal neoplasms. Identifiers: MedGen C0009405, MeSH D003123.

Allele frequency attached by ClinVar (database versions not stated): gnomAD exomes below 0.00001.
gnomAD v4.1: 1 of 1,614,138 alleles (0.000062%); highest among the groups gnomAD compares: South Asian, 0.0011%; no homozygotes.

Submissions (2):

Ambry Genetics
Classification: Uncertain significance for Hereditary cancer-predisposing syndrome. Last evaluated: 2025-11-26. Review status: criteria provided, single submitter. Criteria: Ambry Variant Classification Scheme 2023. Collection method: clinical testing. Allele origin: germline.
Comment: The p.Q592K variant (also known as c.1774C>A), located in coding exon 11 of the PMS2 gene, results from a C to A substitution at nucleotide position 1774. The glutamine at codon 592 is replaced by lysine, an amino acid with similar properties. This amino acid position is conserved. In addition, this alteration is predicted to be tolerated by in silico analysis. Based on the available evidence, the clinical significance of this variant remains unclear.

Labcorp Genetics (formerly Invitae), Labcorp
Classification: Uncertain significance for Hereditary nonpolyposis colorectal neoplasms. Last evaluated: 2024-05-06. Review status: criteria provided, single submitter. Criteria: Invitae Variant Classification Sherloc (09022015). Collection method: clinical testing. Allele origin: germline.
Comment: This sequence change replaces glutamine, which is neutral and polar, with lysine, which is basic and polar, at codon 592 of the PMS2 protein (p.Gln592Lys). This variant is not present in population databases (gnomAD no frequency). This variant has not been reported in the literature in individuals affected with PMS2-related conditions. ClinVar contains an entry for this variant (Variation ID: 1511622). Advanced modeling of protein sequence and biophysical properties (such as structural, functional, and spatial information, amino acid conservation, physicochemical variation, residue mobility, and thermodynamic stability) performed at Invitae indicates that this missense variant is not expected to disrupt PMS2 protein function with a negative predictive value of 80%. In summary, the available evidence is currently insufficient to determine the role of this variant in disease. Therefore, it has been classified as a Variant of Uncertain Significance.